The following is an entry in ClinVar:

NM_004863.4(SPTLC2):c.1544C>T (p.Ala515Val)

Gene: SPTLC2 (serine palmitoyltransferase long chain base subunit 2; minus strand). Cytogenetic location: 14q24.3.
Variant type: single nucleotide variant.
Coding change: c.1544C>T on transcript NM_004863.4 (MANE Select); coding-DNA position 1544, C replaced by T.
Protein change: p.Ala515Val; replaces alanine 515 with valine.
Molecular consequence: missense variant.
Genome position (GRCh38, 1-based): chr14:77,518,063, G>A on the plus strand (C>T on the coding strand, the complement: SPTLC2 is on the minus strand). VCF-style: chr14-77518063-G-A. GRCh37 (hg19) VCF-style: chr14-77984406-G-A.
Other names: short protein forms A515V.
Identifiers: ClinVar variation 2691427 (VCV002691427.3), dbSNP rs2503443217, ClinGen allele CA390699815.

ClinVar aggregate classification (germline): Uncertain significance. Review status: criteria provided, multiple submitters, no conflicts (2 of 4 stars). 2 submissions from 2 submitters: Uncertain significance (2). Last evaluated 2024-08-15.

Conditions:
Neuropathy, hereditary sensory and autonomic, type 1C. Also called: HSAN IC; HSN IC. Identifiers: Orphanet 36386, MedGen C3150896, MONDO:0013337, OMIM 613640.

Submissions (2):

Labcorp Genetics (formerly Invitae), Labcorp
Classification: Uncertain significance for Neuropathy, hereditary sensory and autonomic, type 1C. Last evaluated: 2024-08-15. Review status: criteria provided, single submitter. Criteria: Invitae Variant Classification Sherloc (09022015). Collection method: clinical testing. Allele origin: germline.
Comment: This sequence change replaces alanine, which is neutral and non-polar, with valine, which is neutral and non-polar, at codon 515 of the SPTLC2 protein (p.Ala515Val). This variant is not present in population databases (gnomAD no frequency). This variant has not been reported in the literature in individuals affected with SPTLC2-related conditions. Invitae Evidence Modeling of protein sequence and biophysical properties (such as structural, functional, and spatial information, amino acid conservation, physicochemical variation, residue mobility, and thermodynamic stability) indicates that this missense variant is not expected to disrupt SPTLC2 protein function with a negative predictive value of 80%. In summary, the available evidence is currently insufficient to determine the role of this variant in disease. Therefore, it has been classified as a Variant of Uncertain Significance.

Women's Health and Genetics/Laboratory Corporation of America, LabCorp
Classification: Uncertain significance. Last evaluated: 2023-12-27. Review status: criteria provided, single submitter. Criteria: LabCorp Variant Classification Summary - May 2015. Collection method: clinical testing. Allele origin: germline.
Comment: Variant summary: SPTLC2 c.1544C>T (p.Ala515Val) results in a non-conservative amino acid change located in the Aminotransferase, class I/classII (IPR004839) of the encoded protein sequence. Four of five in-silico tools predict a damaging effect of the variant on protein function. The variant was absent in 251446 control chromosomes. The available data on variant occurrences in the general population are insufficient to allow any conclusion about variant significance. To our knowledge, no occurrence of c.1544C>T in individuals affected with Neuropathy, Hereditary Sensory And Autonomic, Type 1C and no experimental evidence demonstrating its impact on protein function have been reported. No submitters have cited clinical-significance assessments for this variant to ClinVar after 2014. Based on the evidence outlined above, the variant was classified as uncertain significance.